The following is an entry in ClinVar:

ClinVar aggregate classification (germline): Uncertain significance (1 of 4 stars; one submission).

Conditions:
Hereditary cancer-predisposing syndrome. Also called: Neoplastic Syndromes, Hereditary; Hereditary Cancer Syndrome; Tumor predisposition; Hereditary neoplastic syndrome. Identifiers: Orphanet 140162, MedGen C0027672, MeSH D009386, MONDO:0015356.

Submission:

Ambry Genetics
Classification: Uncertain significance for Hereditary cancer-predisposing syndrome. Last evaluated: 2025-03-03. Review status: criteria provided, single submitter. Criteria: Ambry Variant Classification Scheme 2023. Collection method: clinical testing. Allele origin: germline.
Comment: The p.G102D variant (also known as c.305G>A), located in coding exon 5 of the SMARCE1 gene, results from a G to A substitution at nucleotide position 305. The glycine at codon 102 is replaced by aspartic acid, an amino acid with similar properties. This amino acid position is conserved. In addition, this alteration is predicted to be deleterious by in silico analysis. Based on the available evidence, the clinical significance of this variant remains unclear.

NM_003079.5(SMARCE1):c.305G>A (p.Gly102Asp)

Gene: SMARCE1 (SWI/SNF related BAF chromatin remodeling complex subunit E1; minus strand). Cytogenetic location: 17q21.2.
Variant type: single nucleotide variant.
Coding change: c.305G>A on transcript NM_003079.5 (MANE Select); coding-DNA position 305, G replaced by A.
Protein change: p.Gly102Asp; replaces glycine 102 with aspartic acid.
Molecular consequence: missense variant.
Genome position (GRCh38, 1-based): chr17:40,636,459, C>T on the plus strand (G>A on the coding strand, the complement: SMARCE1 is on the minus strand). VCF-style: chr17-40636459-C-T. GRCh37 (hg19) VCF-style: chr17-38792711-C-T.
Other names: short protein forms G102D.
Identifiers: ClinVar variation 3799024 (VCV003799024.1).
Genomic context (GRCh38, chr17:40,636,459, plus strand): 5'-TCTGCTTCGTATTCGTTTAAATATTCTTGTTTTTCTTCATCAGTGAGATCTCGCCACATG[C>T]CACCAATAATCTTGCCAATCTCCCACAACTTTAGGTCAGGGTTGGAAGCCTTTACTTGGT-3'
Protein context (NP_003070.3, residues 92-112): KLWEIGKIIG[Gly102Asp]MWRDLTDEEK